The following is an entry in ClinVar:

ClinVar aggregate classification (germline): Benign/Likely benign. Review status: criteria provided, multiple submitters, no conflicts (2 of 4 stars). 4 submissions from 4 submitters: Benign (1); Likely benign (2). 1 of the submissions does not count toward it. Last evaluated 2025-12-16.

Conditions:
AGRN-related disorder. Also called: AGRN-related condition.
Congenital myasthenic syndrome 8. Also called: Myasthenic syndrome, congenital, 8, with pre- and postsynaptic defects; MYASTHENIC SYNDROME, CONGENITAL, DUE TO AGRIN DEFICIENCY. Identifiers: Orphanet 590, MedGen C3808739, MONDO:0014052, OMIM 615120.

Allele frequency attached by ClinVar (database versions not stated): ESP Exome Variant Server 0.00023; gnomAD exomes 0.00024 and 0.00082; TOPMed 0.00050; gnomAD 0.00067; ExAC 0.00078; 1000 Genomes Project 0.00200; 1000 Genomes Project 30x 0.00234.
gnomAD v4.1: 447 of 1,613,590 alleles (0.028%); highest among the groups gnomAD compares: East Asian, 0.54%; 1 homozygote.

Submissions (4):

Labcorp Genetics (formerly Invitae), Labcorp
Classification: Benign for Congenital myasthenic syndrome 8. Last evaluated: 2025-12-16. Review status: criteria provided, single submitter. Criteria: Invitae Variant Classification Sherloc (09022015). Collection method: clinical testing. Allele origin: germline.

Blueprint Genetics
Classification: Likely benign. Last evaluated: 2024-11-07. Review status: criteria provided, single submitter. Criteria: ACMG Guidelines, 2015. Collection method: clinical testing. Allele origin: germline.

Breakthrough Genomics
Classification: Likely benign. Review status: criteria provided, single submitter. Criteria: ACMG Guidelines, 2015. Collection method: not provided. Allele origin: germline. Inheritance: Autosomal recessive inheritance. Affected: yes.

PreventionGenetics, part of Exact Sciences
Classification: Benign for AGRN-related condition. Last evaluated: 2022-09-29. Review status: no assertion criteria provided. Collection method: clinical testing. Allele origin: germline. Not counted in ClinVar's aggregate classification.
Comment: This variant is classified as benign based on ACMG/AMP sequence variant interpretation guidelines (Richards et al. 2015 PMID: 25741868, with internal and published modifications).

NM_198576.4(AGRN):c.2682C>T (p.Asp894=)

Gene: AGRN (agrin; plus strand). Cytogenetic location: 1p36.33.
Variant type: single nucleotide variant.
Coding change: c.2682C>T on transcript NM_198576.4 (MANE Select); coding-DNA position 2682, C replaced by T.
Protein change: p.Asp894=; no amino-acid change (aspartic acid 894 retained).
Molecular consequence: synonymous variant.
Genome position (GRCh38, 1-based): chr1:1,045,965, C>T. VCF-style: chr1-1045965-C-T. GRCh37 (hg19) VCF-style: chr1-981345-C-T.
Other names: c.2682C>T, p.Asp894= (NM_001305275.2); c.2367C>T, p.Asp789= (NM_001364727.2).
Identifiers: ClinVar variation 263176 (VCV000263176.16), dbSNP rs118105080, ClinGen allele CA508769.
Genomic context (GRCh38, chr1:1,045,965, plus strand): 5'-CTTCATGGGGTGGGGTGGGGTCACCCGAGCCACAGAGGTTTCCCATGCCCGTGCCCCAGA[C>T]GCTTCTGCGCCTGCGACCTGTGCGGAGATGCGCTGTGAGTTCGGTGCGCGGTGCGTGGAG-3'
Protein context (NP_940978.2, residues 884-904): RALGPAGCEA[Asp894=]ASAPATCAEM